The following is an entry in ClinVar:

NM_004523.4(KIF11):c.3095G>A (p.Arg1032Lys)

Gene: KIF11 (kinesin family member 11; plus strand). Cytogenetic location: 10q23.33.
Variant type: single nucleotide variant.
Coding change: c.3095G>A on transcript NM_004523.4 (MANE Select); coding-DNA position 3095, G replaced by A.
Protein change: p.Arg1032Lys; replaces arginine 1032 with lysine.
Molecular consequence: missense variant.
Genome position (GRCh38, 1-based): chr10:92,653,720, G>A. VCF-style: chr10-92653720-G-A. GRCh37 (hg19) VCF-style: chr10-94413477-G-A.
Other names: short protein forms R1032K.
Identifiers: ClinVar variation 1045951 (VCV001045951.34), dbSNP rs763544486, ClinGen allele CA5604551.

ClinVar aggregate classification (germline): Likely benign. Review status: criteria provided, multiple submitters, no conflicts (2 of 4 stars). 2 submissions from 2 submitters: Likely benign (2). Last evaluated 2022-08-16.

Allele frequency attached by ClinVar (database versions not stated): gnomAD exomes 0.00003 and 0.00006; ExAC 0.00005.
gnomAD v4.1: 46 of 1,612,504 alleles (0.0029%); highest among the groups gnomAD compares: South Asian, 0.04%; no homozygotes.

Submissions (2):

Labcorp Genetics (formerly Invitae), Labcorp
Classification: Likely benign. Last evaluated: 2022-08-16. Review status: criteria provided, single submitter. Criteria: Invitae Variant Classification Sherloc (09022015). Collection method: clinical testing. Allele origin: germline.

CeGaT Center for Human Genetics Tuebingen
Classification: Likely benign. Last evaluated: 2022-05-01. Review status: criteria provided, single submitter. Criteria: CeGaT Center For Human Genetics Tuebingen Variant Classification Criteria Version 2. Collection method: clinical testing. Allele origin: germline. Affected: yes. Observed: 1 variant allele.
Comment: KIF11: BP4